The following is an entry in ClinVar:

ClinVar aggregate classification (germline): Pathogenic. Review status: criteria provided, multiple submitters, no conflicts (2 of 4 stars). 5 submissions from 5 submitters: Pathogenic (5). Last evaluated 2025-06-30.

Conditions:
NF1-related disorder. Also called: NF1-related condition. Identifiers: MedGen CN379171.
Hereditary cancer-predisposing syndrome. Also called: Neoplastic Syndromes, Hereditary; Hereditary neoplastic syndrome; Hereditary Cancer Syndrome; Tumor predisposition. Identifiers: Orphanet 140162, MedGen C0027672, MeSH D009386, MONDO:0015356.
Cardiovascular phenotype. Identifiers: MedGen CN230736.
Neurofibromatosis, type 1 (NF1). Also called: Peripheral type neurofibromatosis; Neurofibromatosis, type I; VON RECKLINGHAUSEN DISEASE; NEUROFIBROMATOSIS, TYPE I, SOMATIC. Identifiers: Orphanet 636, MedGen C0027831, MONDO:0018975, OMIM 162200. Disease mechanism: loss of function.
Neurofibromatosis-Noonan syndrome (NFNS). Also called: NEUROFIBROMATOSIS WITH NOONAN PHENOTYPE. Identifiers: Orphanet 638, MedGen C2931482, MONDO:0011035, OMIM 601321. Disease mechanism: loss of function.
Café-au-lait macules with pulmonary stenosis (WTSN). Also called: PULMONIC STENOSIS WITH CAFE-AU-LAIT SPOTS. Identifiers: MedGen C0553586, MONDO:0008672, OMIM 193520.

Allele frequency attached by ClinVar (database versions not stated): gnomAD 0.00001.
gnomAD v4.1: 1 of 1,603,148 alleles (0.000062%); highest among the groups gnomAD compares: East Asian, 0.0022%; no homozygotes.

Submissions (5):

GeneDx
Classification: Pathogenic. Last evaluated: 2025-06-30. Review status: criteria provided, single submitter. Criteria: GeneDx Variant Classification Process June 2021. Collection method: clinical testing. Allele origin: germline. Affected: yes.
Comment: Canonical splice site variant demonstrated to result in a null allele in a gene for which loss of function is a known mechanism of disease (PMID: 23913538); Not observed at significant frequency in large population cohorts (gnomAD); This variant is associated with the following publications: (PMID: 23913538, 30001348)

ARUP Laboratories, Molecular Genetics and Genomics, ARUP Laboratories
Classification: Pathogenic. Last evaluated: 2025-04-23. Review status: criteria provided, single submitter. Criteria: ARUP Molecular Germline Variant Investigation Process 2024. Collection method: clinical testing. Allele origin: germline.
Comment: The NF1 c.480-1G>A variant (rs2065902916, ClinVar Variation ID: 845305) is reported in the literature in families affected with neurofibromatosis, type I (Sabbagh 2013) and co-segregates with disease in a family (Santoro 2018). This variant is absent from the Genome Aggregation Database (v2.1.1), indicating it is not a common polymorphism. This variant disrupts the canonical splice acceptor site of intron 4, which is likely to negatively impact gene function. In vitro functional analyses of the variant demonstrate skipping of exon 5, previously referred to as 4b (Sabbagh 2013). Based on available information, this variant is considered to be pathogenic. References: Sabbagh A et al. NF1 molecular characterization and neurofibromatosis type I genotype-phenotype correlation: the French experience. Hum Mutat. 2013 Nov;34(11):1510-8. PMID: 23913538. Santoro C et al. Whole exome sequencing identifies MRVI1 as a susceptibility gene for moyamoya syndrome in neurofibromatosis type 1. PLoS One. 2018 Jul 12;13(7):e0200446. PMID: 30001348.

Labcorp Genetics (formerly Invitae), Labcorp
Classification: Pathogenic for Neurofibromatosis, type 1. Last evaluated: 2024-04-15. Review status: criteria provided, single submitter. Criteria: Invitae Variant Classification Sherloc (09022015). Collection method: clinical testing. Allele origin: germline.
Comment: This sequence change affects an acceptor splice site in intron 4 of the NF1 gene. It is expected to disrupt RNA splicing. Variants that disrupt the donor or acceptor splice site typically lead to a loss of protein function (PMID: 16199547), and loss-of-function variants in NF1 are known to be pathogenic (PMID: 10712197, 23913538). This variant is not present in population databases (gnomAD no frequency). Disruption of this splice site has been observed in individuals with neurofibromatosis type 1 (PMID: 23913538, 30001348). It has also been observed to segregate with disease in related individuals. ClinVar contains an entry for this variant (Variation ID: 845305). Algorithms developed to predict the effect of sequence changes on RNA splicing suggest that this variant may disrupt the consensus splice site. For these reasons, this variant has been classified as Pathogenic.

PreventionGenetics, part of Exact Sciences
Classification: Pathogenic for NF1-related condition. Last evaluated: 2023-05-01. Review status: criteria provided, single submitter. Criteria: ACMG Guidelines, 2015. Collection method: clinical testing. Allele origin: germline.
Comment: The NF1 c.480-1G>A variant is predicted to disrupt the AG splice acceptor site and interfere with normal splicing. This variant has been reported in multiple individuals with neurofibromatosis type 1 (see for example - Table S5 - Sabbagh et al 2013. PubMed ID: 23913538; Santoro et al. 2018. PubMed ID: 30001348). This variant has not been reported in a large population database, indicating this variant is rare. Variants that disrupt the consensus splice acceptor site in NF1 are expected to be pathogenic. This variant is interpreted as pathogenic.

Ambry Genetics
Classification: Pathogenic for Cardiovascular phenotype; Hereditary cancer-predisposing syndrome. Last evaluated: 2020-03-06. Review status: criteria provided, single submitter. Criteria: Ambry Variant Classification Scheme 2023. Collection method: clinical testing. Allele origin: germline.
Comment: The c.480-1G>A intronic pathogenic mutation results from a G to A substitution one nucleotide upstream from coding exon 5 of the NF1 gene. This mutation was detected in multiple individuals in a family diagnosed with neurofibromatosis type 1 (NF1) (Santoro C et al. PLoS ONE, 2018 Jul;13:e0200446). The mutation was detected in another individual suspected of having NF1 and was reported to result in inactivation of the native acceptor site, leading to exon skipping and use of a new acceptor site (Sabbagh A et al. Hum. Mutat., 2013 Nov;34:1510-8). This variant was not reported in population-based cohorts in the Genome Aggregation Database (gnomAD). This splice prediction software predicts that this alteration will abolish the native splice acceptor site. Different variants affecting the same acceptor site (c.480-1G>T and c.480-2A>G) were also reported in individuals suspecting of having NF1 or fulfilling NF1 diagnostic criteria (Kluwe L et al. Hum. Mutat., 2002 Mar;19:309; Griffiths S et al. Fam. Cancer, 2007;6:21-34). In addition to the data presented in the literature, alterations that disrupt the canonical splice site are expected to cause aberrant splicing, resulting in an abnormal protein or a transcript that is subject to nonsense-mediated mRNA decay. As such, this alteration is classified as a disease-causing mutation.

Literature cited by the submitters: PubMed 16199547 (cited by Labcorp Genetics (formerly Invitae), Labcorp); PubMed 10712197 (cited by Labcorp Genetics (formerly Invitae), Labcorp); PubMed 23913538 (cited by Labcorp Genetics (formerly Invitae), Labcorp); PubMed 30001348 (cited by Labcorp Genetics (formerly Invitae), Labcorp).

NM_001042492.3(NF1):c.480-1G>A

Gene: NF1 (neurofibromin 1; plus strand). Cytogenetic location: 17q11.2.
Variant type: single nucleotide variant.
Coding change: c.480-1G>A on transcript NM_001042492.3 (MANE Select); the canonical splice acceptor site of the intron before coding-DNA position 480, G replaced by A.
Molecular consequence: splice acceptor variant.
Genome position (GRCh38, 1-based): chr17:31,169,890, G>A. VCF-style: chr17-31169890-G-A. GRCh37 (hg19) VCF-style: chr17-29496908-G-A.
Other names: c.480-1G>A (NM_001042492.2, NM_000267.4, NM_001128147.3).
Identifiers: ClinVar variation 845305 (VCV000845305.13), dbSNP rs2065902916, ClinGen allele CA398984623.
Genomic context (GRCh38, chr17:31,169,890, plus strand): 5'-GATACCACACCTGTCCCCTAATACTTAATTTGATAAGTTAATTTTGGTTTTTACTTTTTA[G>A]GTTACAGGAATTAACTGTTTGTTCAGAAGACAATGTTGATGTTCATGATATAGAATTGTT-3'